The following is an entry in ClinVar:

NM_005732.4(RAD50):c.101T>C (p.Leu34Ser)

Gene: RAD50 (RAD50 double strand break repair protein; plus strand). Cytogenetic location: 5q31.1.
Variant type: single nucleotide variant.
Coding change: c.101T>C on transcript NM_005732.4 (MANE Select); coding-DNA position 101, T replaced by C.
Protein change: p.Leu34Ser; replaces leucine 34 with serine.
Molecular consequence: missense variant.
Genome position (GRCh38, 1-based): chr5:132,557,425, T>C. VCF-style: chr5-132557425-T-C. GRCh37 (hg19) VCF-style: chr5-131893117-T-C.
Other names: short protein forms L34S.
Identifiers: ClinVar variation 4862829 (VCV004862829.1).

ClinVar aggregate classification (germline): Uncertain significance (1 of 4 stars; one submission).

Conditions:
Hereditary cancer-predisposing syndrome. Also called: Neoplastic Syndromes, Hereditary; Tumor predisposition; Hereditary Cancer Syndrome; Hereditary neoplastic syndrome. Identifiers: Orphanet 140162, MedGen C0027672, MeSH D009386, MONDO:0015356.

Submission:

Ambry Genetics
Classification: Uncertain significance for Hereditary cancer-predisposing syndrome. Last evaluated: 2026-03-22. Review status: criteria provided, single submitter. Criteria: Ambry Variant Classification Scheme 2023. Collection method: clinical testing. Allele origin: germline.
Comment: The p.L34S variant (also known as c.101T>C), located in coding exon 1 of the RAD50 gene, results from a T to C substitution at nucleotide position 101. The leucine at codon 34 is replaced by serine, an amino acid with dissimilar properties. This amino acid position is conserved. In addition, the in silico prediction for this alteration is inconclusive. Based on the available evidence, the clinical significance of this variant remains unclear.